The following is an entry in ClinVar:

ClinVar aggregate classification (germline): Benign. Review status: reviewed by expert panel (3 of 4 stars). 7 submissions from 6 submitters: Benign (1). 6 of the submissions do not count toward it. Last evaluated 2023-12-22.

Conditions:
Retinitis pigmentosa (RP). Identifiers: Orphanet 791, MedGen C0035334, MeSH D012174, MONDO:0019200, OMIM 268000. Inheritance: Autosomal dominant, autosomal recessive and X linked inheritance.
RPE65-related recessive retinopathy. Also called: Recessive RPE65 retinopathy. Identifiers: MedGen CN305526, MONDO:0100368.
Leber congenital amaurosis 2 (LCA2). Also called: Autosomal Recessive RPE65-Related Retinal Degeneration; AMAUROSIS CONGENITA OF LEBER II. Identifiers: Orphanet 65, MedGen C1859844, MONDO:0008765, OMIM 204100. Disease mechanism: loss of function.
Retinitis pigmentosa 20 (RP20). Identifiers: Orphanet 791, MedGen C3151086, MONDO:0013425, OMIM 613794.
Leber congenital amaurosis (LCA). Also called: Leber's amaurosis. Identifiers: Orphanet 65, MedGen C0339527, MeSH D057130, MONDO:0018998.

Allele frequency attached by ClinVar (database versions not stated): TOPMed 0.00911; ESP Exome Variant Server 0.00976; 1000 Genomes Project 0.01018; 1000 Genomes Project 30x 0.01077.
gnomAD v4.1: 2,542 of 1,613,908 alleles (0.16%); highest among the groups gnomAD compares: African/African-American, 2.8%; 29 homozygotes.

Submissions (7):

ClinGen Leber Congenital Amaurosis/early Onset Retinal Dystrophy Variant Curation Expert Panel, ClinGen
Classification: Benign for RPE65-related recessive retinopathy. Last evaluated: 2023-12-22. Review status: reviewed by expert panel. Criteria: ClinGen LCAeoRD ACMG Specifications RPE65 V1.0.0. Collection method: curation. Allele origin: germline. Inheritance: Autosomal recessive inheritance.
Comment: NM_000329.3(RPE65):c.1302G>A (p.Ala434=) is a synonymous variant that is present in gnomAD v.2.1.1 at a GrpMax allele frequency of 0.02695, with 734 alleles / 24954 total alleles and 7 homozygotes in the African/African American population, which is higher than the ClinGen LCA / eoRD VCEP BA1 threshold of >0.008 (BA1). The splicing impact predictor SpliceAI gives a delta score of 0.07 for donor loss, which is below the ClinGen LCA / eoRD VCEP recommended threshold of <0.1 and does not predict an impact on splicing (BP4, BP7). In summary, this variant meets the criteria to be classified as Benign for RPE65-related recessive retinopathy based on the ACMG/AMP criteria applied, as specified by the ClinGen LCA/eoRD VCEP: BA1, BP4, and BP7. (VCEP specifications version 1.0.0; date of approval 09/21/2023).

Labcorp Genetics (formerly Invitae), Labcorp
Classification: Benign for Leber congenital amaurosis 2; Retinitis pigmentosa 20. Last evaluated: 2026-02-01. Review status: criteria provided, single submitter. Criteria: Invitae Variant Classification Sherloc (09022015). Collection method: clinical testing. Allele origin: germline. Not counted in ClinVar's aggregate classification.

Blueprint Genetics
Classification: Likely benign. Last evaluated: 2024-11-25. Review status: criteria provided, single submitter. Criteria: ACMG Guidelines, 2015. Collection method: clinical testing. Allele origin: germline. Not counted in ClinVar's aggregate classification.

Illumina Laboratory Services, Illumina
Classification: Likely benign for Retinitis pigmentosa. Last evaluated: 2017-04-28. Review status: criteria provided, single submitter. Criteria: ICSL Variant Classification Criteria 13 December 2019. Collection method: clinical testing. Allele origin: germline. Not counted in ClinVar's aggregate classification.
Comment: This variant was observed in the ICSL laboratory as part of a predisposition screen in an ostensibly healthy population. It had not been previously curated by ICSL or reported in the Human Gene Mutation Database (HGMD: prior to June 1st, 2018), and was therefore a candidate for classification through an automated scoring system. Utilizing variant allele frequency, disease prevalence and penetrance estimates, and inheritance mode, an automated score was calculated to assess if this variant is too frequent to cause the disease. Based on the score and internal cut-off values, a variant classified as likely benign is not then subjected to further curation. The score for this variant resulted in a classification of likely benign for this disease.

Illumina Laboratory Services, Illumina
Classification: Likely benign for Leber congenital amaurosis 2. Last evaluated: 2017-04-28. Review status: criteria provided, single submitter. Criteria: ICSL Variant Classification Criteria 13 December 2019. Collection method: clinical testing. Allele origin: germline. Not counted in ClinVar's aggregate classification.
Comment: the same text as in the submission from Illumina Laboratory Services, Illumina above.

Natera, Inc.
Classification: Benign for Leber congenital amaurosis. Last evaluated: 2020-09-16. Review status: no assertion criteria provided. Collection method: clinical testing. Allele origin: germline. Not counted in ClinVar's aggregate classification.

Counsyl
Classification: Likely benign for Leber congenital amaurosis 2; Retinitis pigmentosa 20. Last evaluated: 2017-11-10. Review status: no assertion criteria provided. Collection method: clinical testing. Allele origin: unknown. Not counted in ClinVar's aggregate classification.

NM_000329.3(RPE65):c.1302G>A (p.Ala434=)

Gene: RPE65 (retinoid isomerohydrolase RPE65; minus strand). Cytogenetic location: 1p31.3.
Variant type: single nucleotide variant.
Coding change: c.1302G>A on transcript NM_000329.3 (MANE Select); coding-DNA position 1302, G replaced by A.
Protein change: p.Ala434=; no amino-acid change (alanine 434 retained).
Molecular consequence: synonymous variant.
Genome position (GRCh38, 1-based): chr1:68,431,318, C>T on the plus strand (G>A on the coding strand, the complement: RPE65 is on the minus strand). VCF-style: chr1-68431318-C-T. GRCh37 (hg19) VCF-style: chr1-68897001-C-T.
Other names: NM_000329.3(RPE65):c.1302G>A; p.Ala434=.
Identifiers: ClinVar variation 467825 (VCV000467825.18), dbSNP rs62636301, ClinGen allele CA902209.